The following is an entry in ClinVar:

NM_000169.3(GLA):c.968C>T (p.Pro323Leu)

Genes: GLA (galactosidase alpha; minus strand), RPL36A-HNRNPH2 (RPL36A-HNRNPH2 readthrough; plus strand). Cytogenetic location: Xq22.1.
Variant type: single nucleotide variant.
Coding change: c.968C>T on transcript NM_000169.3 (MANE Select); coding-DNA position 968, C replaced by T.
Protein change: p.Pro323Leu; replaces proline 323 with leucine.
Molecular consequence: missense variant. On other transcripts: non-coding transcript variant (3), intron variant (2).
Genome position (GRCh38, 1-based): chrX:101,398,401, G>A on the plus strand (C>T on the coding strand, the complement: GLA is on the minus strand). VCF-style: chrX-101398401-G-A. GRCh37 (hg19) VCF-style: chrX-100653389-G-A.
Other names: c.1091C>T, p.Pro364Leu (NM_001406747.1); c.968C>T, p.Pro323Leu (NM_001406748.1); c.300+2944G>A (NM_001199973.2); c.177+6579G>A (NM_001199974.2); short protein forms P323L, P364L.
Identifiers: ClinVar variation 2059755 (VCV002059755.21), dbSNP rs869312159, ClinGen allele CA413921460.

ClinVar aggregate classification (germline): Uncertain significance. Review status: criteria provided, multiple submitters, no conflicts (2 of 4 stars). 4 submissions from 4 submitters: Uncertain significance (4). Last evaluated 2026-09-08.

Conditions:
Fabry disease. Also called: Ceramide trihexosidosis; Fabry's disease; ALPHA-GALACTOSIDASE A DEFICIENCY; ANDERSON-FABRY DISEASE; CERAMIDE TRIHEXOSIDASE DEFICIENCY; GLA DEFICIENCY. Identifiers: Orphanet 324, MedGen C0002986, MONDO:0010526, OMIM 301500, HP:0001071. Disease mechanism: Fabry disease is due to inactivating mutations in the X-linked GLA gene resulting in deficiency of the enzyme Alpha Galactosidase-A., loss of function.

Submissions (4):

Genomenon, Inc
Classification: Uncertain significance for Fabry disease. Last evaluated: 2026-09-08. Review status: criteria provided, single submitter. Criteria: Genomenon Sequence Variant Interpretation Standards - Updated. Collection method: curation. Allele origin: germline. Affected: yes.
Comment: GLA p.Pro323Leu (c.968C>T) is a missense variant that changes the amino acid at codon 323 from Proline to Leucine. This variant has been observed in at least one proband with clinical features consistent with Fabry disease (PMID:36725792). It is absent or not present at a significant frequency in gnomAD. In conclusion, we classify GLA p.Pro323Leu (c.968C>T) as a variant of uncertain significance.

All of Us Research Program, National Institutes of Health
Classification: Uncertain significance for Fabry disease. Last evaluated: 2024-07-20. Review status: criteria provided, single submitter. Criteria: ACMG Guidelines, 2015. Collection method: clinical testing. Allele origin: germline. Inheritance: X-linked inheritance. Observed: 1 variant allele, 1 heterozygote.
Comment: This missense variant replaces proline with leucine at codon 323 of the GLA protein. Computational prediction tools indicate that this variant's impact on protein structure and function is inconclusive. To our knowledge, functional studies have not been reported for this variant. This variant has not been identified in the general population by the Genome Aggregation Database (gnomAD). The available evidence is insufficient to determine the role of this variant in disease conclusively. Therefore, this variant is classified as a Variant of Uncertain Significance.

This study involves interpretation of variants in research participants for the purpose of population health screening. Participant phenotype was not available at the time of variant classification. Additional details can be found in publication PMID: 35346344, PMCID: PMC8962531

CeGaT Center for Human Genetics Tuebingen
Classification: Uncertain significance. Last evaluated: 2024-07-01. Review status: criteria provided, single submitter. Criteria: CeGaT Center For Human Genetics Tuebingen Variant Classification Criteria Version 2. Collection method: clinical testing. Allele origin: germline. Affected: yes. Observed: 1 variant allele.
Comment: GLA: PM2, PM5

Labcorp Genetics (formerly Invitae), Labcorp
Classification: Uncertain significance for Fabry disease. Last evaluated: 2022-02-17. Review status: criteria provided, single submitter. Criteria: Invitae Variant Classification Sherloc (09022015). Collection method: clinical testing. Allele origin: germline.
Comment: This sequence change replaces proline, which is neutral and non-polar, with leucine, which is neutral and non-polar, at codon 323 of the GLA protein (p.Pro323Leu). This variant is not present in population databases (gnomAD no frequency). This variant has not been reported in the literature in individuals affected with GLA-related conditions. Algorithms developed to predict the effect of missense changes on protein structure and function are either unavailable or do not agree on the potential impact of this missense change (SIFT: "Deleterious"; PolyPhen-2: "Benign"; Align-GVGD: "Class C0"). In summary, the available evidence is currently insufficient to determine the role of this variant in disease. Therefore, it has been classified as a Variant of Uncertain Significance.

Literature cited by the submitters: PubMed 36725792 (cited by Genomenon, Inc and All of Us Research Program, National Institutes of Health).